The following is an entry in ClinVar:

NM_001113491.2(SEPTIN9):c.*1639C>G

Gene: SEPTIN9 (septin 9; plus strand). Cytogenetic location: 17q25.3.
Variant type: single nucleotide variant.
Coding change: c.*1639C>G on transcript NM_001113491.2 (MANE Select); 1639 bases downstream of the stop codon, C replaced by G.
Molecular consequence: 3 prime UTR variant.
Genome position (GRCh38, 1-based): chr17:77,500,297, C>G. VCF-style: chr17-77500297-C-G. GRCh37 (hg19) VCF-style: chr17-75496379-C-G.
Other names: c.*1639C>G (NM_001113492.2, NM_001113493.2, NM_001113494.1 and 7 more transcripts).
Identifiers: ClinVar variation 325613 (VCV000325613.29), dbSNP rs539303139, ClinGen allele CA10650332.

ClinVar aggregate classification (germline): Conflicting classifications of pathogenicity. Review status: criteria provided, conflicting classifications (1 of 4 stars). 2 submissions from 2 submitters: Uncertain significance (1); Benign (1). Last evaluated 2022-05-01.

Conditions:
Amyotrophic neuralgia (HNA). Also called: AMYOTROPHY, HEREDITARY NEURALGIC, WITH PREDILECTION FOR BRACHIAL PLEXUS; Hereditary Brachial Plexus Neuropathy; Neuritis with Brachial Predilection; AMYOTROPHY, HEREDITARY NEURALGIC. Identifiers: Orphanet 2901, MedGen C1834304, MONDO:0008076, OMIM 162100.

Allele frequency attached by ClinVar (database versions not stated): 1000 Genomes Project 0.00020; 1000 Genomes Project 30x 0.00078; TOPMed 0.00142; gnomAD 0.00155 and 0.00156; gnomAD exomes 0.00624.
gnomAD v4.1: 402 of 175,002 alleles (0.23%); highest among the groups gnomAD compares: Non-Finnish European, 0.34%; 1 homozygote.

Submissions (2):

CeGaT Center for Human Genetics Tuebingen
Classification: Benign. Last evaluated: 2022-05-01. Review status: criteria provided, single submitter. Criteria: CeGaT Center For Human Genetics Tuebingen Variant Classification Criteria Version 2. Collection method: clinical testing. Allele origin: germline. Affected: yes. Observed: 1 variant allele.
Comment: SEPTIN9: BS1, BS2

Illumina Laboratory Services, Illumina
Classification: Uncertain significance for Amyotrophy, hereditary neuralgic. Last evaluated: 2018-01-13. Review status: criteria provided, single submitter. Criteria: ICSL Variant Classification Criteria 13 December 2019. Collection method: clinical testing. Allele origin: germline.